The following is an entry in ClinVar:

NM_001040108.2(MLH3):c.29A>G (p.Gln10Arg)

Gene: MLH3 (mutL homolog 3; minus strand). Cytogenetic location: 14q24.3.
Variant type: single nucleotide variant.
Coding change: c.29A>G on transcript NM_001040108.2 (MANE Select); coding-DNA position 29, A replaced by G.
Protein change: p.Gln10Arg; replaces glutamine 10 with arginine.
Molecular consequence: missense variant.
Genome position (GRCh38, 1-based): chr14:75,049,627, T>C on the plus strand (A>G on the coding strand, the complement: MLH3 is on the minus strand). VCF-style: chr14-75049627-T-C. GRCh37 (hg19) VCF-style: chr14-75516330-T-C.
Other names: c.29A>G, p.Gln10Arg (NM_014381.3); short protein forms Q10R.
Identifiers: ClinVar variation 1798629 (VCV001798629.3), dbSNP rs2503339427, ClinGen allele CA390452731.

ClinVar aggregate classification (germline): Uncertain significance (1 of 4 stars; one submission).

Submission:

Ambry Genetics
Classification: Uncertain significance. Last evaluated: 2024-09-02. Review status: criteria provided, single submitter. Criteria: Ambry Variant Classification Scheme 2023. Collection method: clinical testing. Allele origin: germline.
Comment: The p.Q10R variant (also known as c.29A>G), located in coding exon 1 of the MLH3 gene, results from an A to G substitution at nucleotide position 29. The glutamine at codon 10 is replaced by arginine, an amino acid with highly similar properties. This amino acid position is conserved. In addition, this alteration is predicted to be tolerated by in silico analysis. Since supporting evidence is limited at this time, the clinical significance of this alteration remains unclear.